The following is an entry in ClinVar:

ClinVar aggregate classification (germline): Benign/Likely benign. Review status: criteria provided, multiple submitters, no conflicts (2 of 4 stars). 9 submissions from 9 submitters: Benign (3); Likely benign (3). 3 of the submissions do not count toward it. Last evaluated 2025-12-02.

Conditions:
AGL-related disorder. Also called: AGL-related condition.
Glycogen storage disease type III (GSD3). Also called: Cori disease; FORBES DISEASE. Identifiers: Orphanet 366, MedGen C0017922, MONDO:0009291, OMIM 232400.

Allele frequency attached by ClinVar (database versions not stated): 1000 Genomes Project 30x 0.00859; 1000 Genomes Project 0.00879; TOPMed 0.01283; ESP Exome Variant Server 0.01438; gnomAD 0.01510 and 0.01521; gnomAD exomes 0.01595 and 0.01786; ExAC 0.01741.
gnomAD v4.1: 13,608 of 780,424 alleles (1.7%); highest among the groups gnomAD compares: Middle Eastern, 5.3%; 175 homozygotes.

Submissions (9):

Dasa
Classification: Benign. Last evaluated: 2025-12-02. Review status: criteria provided, single submitter. Criteria: DASA Assertion Criteria. Collection method: clinical testing. Allele origin: germline.
Comment: NM_000646.2(AGL):c.20T>G (p.Ile7Ser) is a missense variant that results in the substitution of isoleucine with serine. Population frequency is inconsistent with a disease-causing role for this variant, and observations in unaffected individuals support a benign interpretation. Computational prediction algorithms are consistent with a benign effect. Therefore, based on the currently available evidence, this variant is classified as benign.

ARUP Laboratories, Molecular Genetics and Genomics, ARUP Laboratories
Classification: Benign. Last evaluated: 2025-07-31. Review status: criteria provided, single submitter. Criteria: ARUP Molecular Germline Variant Investigation Process 2024. Collection method: clinical testing. Allele origin: germline.

Blueprint Genetics
Classification: Likely benign. Last evaluated: 2024-11-26. Review status: criteria provided, single submitter. Criteria: ACMG Guidelines, 2015. Collection method: clinical testing. Allele origin: germline.

Genome-Nilou Lab
Classification: Benign for Glycogen storage disease type III. Last evaluated: 2023-04-11. Review status: criteria provided, single submitter. Criteria: ACMG Guidelines, 2015. Collection method: clinical testing. Allele origin: germline. Affected: no.

GeneDx
Classification: Likely benign. Last evaluated: 2018-09-26. Review status: criteria provided, single submitter. Criteria: GeneDx Variant Classification Process June 2021. Collection method: clinical testing. Allele origin: germline. Affected: yes.

Breakthrough Genomics
Classification: Likely benign. Review status: criteria provided, single submitter. Criteria: ACMG Guidelines, 2015. Collection method: not provided. Allele origin: germline. Inheritance: Autosomal recessive inheritance. Affected: yes.

PreventionGenetics, part of Exact Sciences
Classification: Benign for AGL-related condition. Last evaluated: 2019-04-02. Review status: no assertion criteria provided. Collection method: clinical testing. Allele origin: germline. Not counted in ClinVar's aggregate classification.
Comment: This variant is classified as benign based on ACMG/AMP sequence variant interpretation guidelines (Richards et al. 2015 PMID: 25741868, with internal and published modifications).

Genome Diagnostics Laboratory, University Medical Center Utrecht
Classification: Likely benign. Review status: no assertion criteria provided. Collection method: clinical testing. Allele origin: germline. Affected: yes. Study: VKGL Data-share Consensus. Not counted in ClinVar's aggregate classification.

Laboratory of Diagnostic Genome Analysis, Leiden University Medical Center (LUMC)
Classification: Likely benign. Review status: no assertion criteria provided. Collection method: clinical testing. Allele origin: germline. Affected: yes. Study: VKGL Data-share Consensus. Not counted in ClinVar's aggregate classification.

NM_000642.3(AGL):c.82+1565T>G

Gene: AGL (amylo-alpha-1,6-glucosidase and 4-alpha-glucanotransferase; plus strand). Cytogenetic location: 1p21.2.
Variant type: single nucleotide variant.
Coding change: c.82+1565T>G on transcript NM_000642.3 (MANE Select); 1565 bases into the intron after coding-DNA position 82, T replaced by G.
Molecular consequence: intron variant. On other transcripts: missense variant (1).
Genome position (GRCh38, 1-based): chr1:99,852,689, T>G. VCF-style: chr1-99852689-T-G. GRCh37 (hg19) VCF-style: chr1-100318245-T-G.
Other names: c.20T>G, p.Ile7Ser (NM_000646.3); c.82+1565T>G (NM_000643.3, NM_000644.3, NM_001425326.1 and 6 more transcripts); short protein forms I7S.
Identifiers: ClinVar variation 1206245 (VCV001206245.23), dbSNP rs145049634, ClinGen allele CA966029.